The following is an entry in ClinVar:

ClinVar aggregate classification (germline): Uncertain significance. Review status: criteria provided, multiple submitters, no conflicts (2 of 4 stars). 2 submissions from 2 submitters: Uncertain significance (2). Last evaluated 2026-08-28.

Submissions (2):

Ambry Genetics
Classification: Uncertain significance. Last evaluated: 2026-08-28. Review status: criteria provided, single submitter. Criteria: Ambry Variant Classification Scheme 2023. Collection method: clinical testing. Allele origin: germline.
Comment: The p.N885S variant (also known as c.2654A>G), located in coding exon 13 of the GEN1 gene, results from an A to G substitution at nucleotide position 2654. The asparagine at codon 885 is replaced by serine, an amino acid with highly similar properties. This amino acid position is conserved. In addition, this alteration is predicted to be tolerated by in silico analysis. Based on the available evidence, the clinical significance of this variant remains unclear.

Labcorp Genetics (formerly Invitae), Labcorp
Classification: Uncertain significance. Last evaluated: 2024-05-28. Review status: criteria provided, single submitter. Criteria: Invitae Variant Classification Sherloc (09022015). Collection method: clinical testing. Allele origin: germline.
Comment: This sequence change replaces asparagine, which is neutral and polar, with serine, which is neutral and polar, at codon 885 of the GEN1 protein (p.Asn885Ser). This variant is not present in population databases (gnomAD no frequency). This variant has not been reported in the literature in individuals affected with GEN1-related conditions. Algorithms developed to predict the effect of missense changes on protein structure and function output the following: SIFT: "Not Available"; PolyPhen-2: "Benign"; Align-GVGD: "Not Available". The serine amino acid residue is found in multiple mammalian species, which suggests that this missense change does not adversely affect protein function. In summary, the available evidence is currently insufficient to determine the role of this variant in disease. Therefore, it has been classified as a Variant of Uncertain Significance.

NM_001130009.3(GEN1):c.2654A>G (p.Asn885Ser)

Gene: GEN1 (GEN1 structure-specific endonuclease; plus strand). Cytogenetic location: 2p24.2.
Variant type: single nucleotide variant.
Coding change: c.2654A>G on transcript NM_001130009.3 (MANE Select); coding-DNA position 2654, A replaced by G.
Protein change: p.Asn885Ser; replaces asparagine 885 with serine.
Molecular consequence: missense variant.
Genome position (GRCh38, 1-based): chr2:17,781,866, A>G. VCF-style: chr2-17781866-A-G. GRCh37 (hg19) VCF-style: chr2-17963133-A-G.
Other names: c.2654A>G (NM_001130009.1); c.2654A>G, p.Asn885Ser (NM_182625.5); short protein forms N885S.
Identifiers: ClinVar variation 3695802 (VCV003695802.3).
Genomic context (GRCh38, chr2:17,781,866, plus strand): 5'-GCTGTTTCCCAGATTCAACAAAAAGTTCTCTGAGTTCTCTACAATGTCATAAGAAAGAAA[A>G]CAACTCTGGTACTTGTTTGGATAGCCCTCTTCCTTTACGCCAGAGATTAAAACTAAGATT-3'
Protein context (NP_001123481.3, residues 875-895): LSSLQCHKKE[Asn885Ser]NSGTCLDSPL